The following is an entry in ClinVar:

ClinVar aggregate classification (germline): Uncertain significance (1 of 4 stars; one submission).

gnomAD v4.1: 9 of 1,614,066 alleles (0.00056%); highest among the groups gnomAD compares: African/African-American, 0.012%; no homozygotes.

Submission:

Labcorp Genetics (formerly Invitae), Labcorp
Classification: Uncertain significance. Last evaluated: 2024-11-04. Review status: criteria provided, single submitter. Criteria: Invitae Variant Classification Sherloc (09022015). Collection method: clinical testing. Allele origin: germline.
Comment: This sequence change replaces glycine, which is neutral and non-polar, with glutamic acid, which is acidic and polar, at codon 1797 of the TCF20 protein (p.Gly1797Glu). This variant is present in population databases (rs368915491, gnomAD 0.02%). This variant has not been reported in the literature in individuals affected with TCF20-related conditions. An algorithm developed to predict the effect of missense changes on protein structure and function (PolyPhen-2) suggests that this variant is likely to be tolerated. In summary, the available evidence is currently insufficient to determine the role of this variant in disease. Therefore, it has been classified as a Variant of Uncertain Significance.

NM_001378418.1(TCF20):c.5390G>A (p.Gly1797Glu)

Gene: TCF20 (transcription factor 20; minus strand). Cytogenetic location: 22q13.2.
Variant type: single nucleotide variant.
Coding change: c.5390G>A on transcript NM_001378418.1 (MANE Select); coding-DNA position 5390, G replaced by A.
Protein change: p.Gly1797Glu; replaces glycine 1797 with glutamic acid.
Molecular consequence: missense variant.
Genome position (GRCh38, 1-based): chr22:42,209,916, C>T on the plus strand (G>A on the coding strand, the complement: TCF20 is on the minus strand). VCF-style: chr22-42209916-C-T. GRCh37 (hg19) VCF-style: chr22-42605922-C-T.
Other names: c.5390G>A, p.Gly1797Glu (NM_005650.4, NM_181492.3); short protein forms G1797E.
Identifiers: ClinVar variation 3716774 (VCV003716774.2).
Genomic context (GRCh38, chr22:42,209,916, plus strand): 5'-CTGCTGCCCTCAGTGGCTGCTTTTTTACAAGGGAGCCCCCTGGACAGGGACCGAGGGCCT[C>T]CACCACAGTCTTCCGAGCGGTGGCGCCGCTTAAACCTGGGGTGTGCGGCCAGGCTTCTCT-3'
Protein context (NP_001365347.1, residues 1787-1807): KRRHRSEDCG[Gly1797Glu]GPRSLSRGLP